The following is an entry in ClinVar:

NM_015354.3(NUP188):c.17G>C (p.Gly6Ala)

Gene: NUP188 (nucleoporin 188; plus strand). Cytogenetic location: 9q34.11.
Variant type: single nucleotide variant.
Coding change: c.17G>C on transcript NM_015354.3 (MANE Select); coding-DNA position 17, G replaced by C.
Protein change: p.Gly6Ala; replaces glycine 6 with alanine.
Molecular consequence: missense variant.
Genome position (GRCh38, 1-based): chr9:128,947,736, G>C. VCF-style: chr9-128947736-G-C. GRCh37 (hg19) VCF-style: chr9-131710015-G-C.
Other names: c.17G>C (NM_015354.2); short protein forms G6A.
Identifiers: ClinVar variation 2341712 (VCV002341712.4), dbSNP rs375427455, ClinGen allele CA5271835.

ClinVar aggregate classification (germline): Likely benign. Review status: criteria provided, single submitter (1 of 4 stars). 2 submissions from 2 submitters: Likely benign (1). 1 of the submissions does not count toward it. Last evaluated 2022-01-07.

Conditions:
Inborn genetic diseases. Identifiers: MedGen C0950123, MeSH D030342.
NUP188-related disorder. Also called: NUP188-related condition.

Allele frequency attached by ClinVar (database versions not stated): 1000 Genomes Project 0.00020; ESP Exome Variant Server 0.00041; 1000 Genomes Project 30x 0.00078; TOPMed 0.00124; gnomAD 0.00149; gnomAD exomes 0.00242; ExAC 0.00306.
gnomAD v4.1: 3,375 of 1,474,358 alleles (0.23%); highest among the groups gnomAD compares: Non-Finnish European, 0.28%; 6 homozygotes.

Submissions (2):

Ambry Genetics
Classification: Likely benign for Inborn genetic diseases. Last evaluated: 2022-01-07. Review status: criteria provided, single submitter. Criteria: Ambry Variant Classification Scheme 2023. Collection method: clinical testing. Allele origin: germline.

PreventionGenetics, part of Exact Sciences
Classification: Likely benign for NUP188-related condition. Last evaluated: 2022-02-04. Review status: no assertion criteria provided. Collection method: clinical testing. Allele origin: germline. Not counted in ClinVar's aggregate classification.
Comment: This variant is classified as likely benign based on ACMG/AMP sequence variant interpretation guidelines (Richards et al. 2015 PMID: 25741868, with internal and published modifications).